The following is an entry in ClinVar:

NM_194248.3(OTOF):c.4980C>T (p.Asp1660=)

Gene: OTOF (otoferlin; minus strand). Cytogenetic location: 2p23.3.
Variant type: single nucleotide variant.
Coding change: c.4980C>T on transcript NM_194248.3 (MANE Select); coding-DNA position 4980, C replaced by T.
Protein change: p.Asp1660=; no amino-acid change (aspartic acid 1660 retained).
Molecular consequence: synonymous variant.
Genome position (GRCh38, 1-based): chr2:26,464,087, G>A on the plus strand (C>T on the coding strand, the complement: OTOF is on the minus strand). VCF-style: chr2-26464087-G-A. GRCh37 (hg19) VCF-style: chr2-26686955-G-A.
Other names: c.4980C>T, p.Asp1660= (NM_001287489.2); c.2679C>T, p.Asp893= (NM_004802.4, NM_194323.3); c.2910C>T, p.Asp970= (NM_194322.3).
Identifiers: ClinVar variation 504655 (VCV000504655.19), dbSNP rs149549554, ClinGen allele CA1562966.

ClinVar aggregate classification (germline): Benign/Likely benign. Review status: criteria provided, multiple submitters, no conflicts (2 of 4 stars). 6 submissions from 6 submitters: Benign (2); Likely benign (3). 1 of the submissions does not count toward it. Last evaluated 2026-01-09.

Conditions:
OTOF-related disorder. Also called: OTOF-related condition.

Allele frequency attached by ClinVar (database versions not stated): TOPMed 0.00162; gnomAD 0.00164 and 0.00151; ESP Exome Variant Server 0.00200; gnomAD exomes 0.00016 and 0.00046; ExAC 0.00053; 1000 Genomes Project 0.00100; 1000 Genomes Project 30x 0.00109.
gnomAD v4.1: 471 of 1,613,592 alleles (0.029%); highest among the groups gnomAD compares: African/African-American, 0.46%; 3 homozygotes.

Submissions (6):

Labcorp Genetics (formerly Invitae), Labcorp
Classification: Benign. Last evaluated: 2026-01-09. Review status: criteria provided, single submitter. Criteria: Invitae Variant Classification Sherloc (09022015). Collection method: clinical testing. Allele origin: germline.

Blueprint Genetics
Classification: Likely benign. Last evaluated: 2024-06-05. Review status: criteria provided, single submitter. Criteria: ACMG Guidelines, 2015. Collection method: clinical testing. Allele origin: germline.

GeneDx
Classification: Likely benign. Last evaluated: 2020-11-19. Review status: criteria provided, single submitter. Criteria: GeneDx Variant Classification Process June 2021. Collection method: clinical testing. Allele origin: germline. Affected: yes.

Laboratory for Molecular Medicine, Mass General Brigham Personalized Medicine
Classification: Benign. Last evaluated: 2017-06-26. Review status: criteria provided, single submitter. Criteria: LMM Criteria. Collection method: clinical testing. Allele origin: germline. Observed: 2 variant alleles.
Comment: p.Asp1660Asp in exon 40 of OTOF: This variant is not expected to have clinical s ignificance because it does not alter an amino acid residue, is not located with in the splice consensus sequence, and has been identified in 0.5% (129/23970) of African chromosomes by the Genome Aggregation Database (gnomAD; dbSNP rs149549554).

Breakthrough Genomics
Classification: Likely benign. Review status: criteria provided, single submitter. Criteria: ACMG Guidelines, 2015. Collection method: not provided. Allele origin: germline. Inheritance: Autosomal recessive inheritance. Affected: yes.

PreventionGenetics, part of Exact Sciences
Classification: Likely benign for OTOF-related condition. Last evaluated: 2019-11-26. Review status: no assertion criteria provided. Collection method: clinical testing. Allele origin: germline. Not counted in ClinVar's aggregate classification.
Comment: This variant is classified as likely benign based on ACMG/AMP sequence variant interpretation guidelines (Richards et al. 2015 PMID: 25741868, with internal and published modifications).